The following is an entry in ClinVar:

ClinVar aggregate classification (germline): Likely pathogenic (1 of 4 stars; one submission).

Conditions:
Niemann-Pick disease, type C1. Also called: NIEMANN-PICK DISEASE, VARIANT TYPE C1; NIEMANN-PICK DISEASE WITHOUT SPHINGOMYELINASE DEFICIENCY; NIEMANN-PICK DISEASE, CHRONIC NEURONOPATHIC FORM; NEUROVISCERAL STORAGE DISEASE WITH VERTICAL SUPRANUCLEAR OPHTHALMOPLEGIA; NIEMANN-PICK DISEASE WITH CHOLESTEROL ESTERIFICATION BLOCK. Identifiers: Orphanet 646, MedGen C3179455, MONDO:0009757, OMIM 257220.

Submission:

Myriad Genetics, Inc.
Classification: Likely pathogenic for Niemann-Pick disease, type C1. Last evaluated: 2019-05-02. Review status: criteria provided, single submitter. Criteria: Myriad Women's Health Autosomal Recessive and X-Linked Classification Criteria (2019). Collection method: clinical testing. Allele origin: unknown.
Comment: NM_000271.4(NPC1):c.2092G>T(G698*) is expected to be pathogenic in the context of Niemann-Pick disease type C1. This variant is predicted to lead to an abnormal or absent protein product due to the creation of a premature termination codon in NPC1, a gene where loss-of-function variants are known to be pathogenic. Please note: this variant was assessed in the context of healthy population screening.

NM_000271.5(NPC1):c.2092G>T (p.Gly698Ter)

Gene: NPC1 (NPC intracellular cholesterol transporter 1; minus strand). Cytogenetic location: 18q11.2.
Variant type: single nucleotide variant.
Coding change: c.2092G>T on transcript NM_000271.5 (MANE Select); coding-DNA position 2092, G replaced by T.
Protein change: p.Gly698Ter; replaces glycine 698 with a stop codon.
Molecular consequence: nonsense.
Genome position (GRCh38, 1-based): chr18:23,544,382, C>A on the plus strand (G>T on the coding strand, the complement: NPC1 is on the minus strand). VCF-style: chr18-23544382-C-A. GRCh37 (hg19) VCF-style: chr18-21124346-C-A.
Other names: short protein forms G698*.
Identifiers: ClinVar variation 983756 (VCV000983756.3), dbSNP rs2058754064, ClinGen allele CA401771327.
Genomic context (GRCh38, chr18:23,544,382, plus strand): 5'-CTGTGAGAATATGGAAGTATACCTGGTAGGCCTGCACCAGAATGAAGATGTTGTCCACTC[C>A]AACAGCCAGCACCAGGAACGGGATGACTTCAATCACAATGAGGGTCAAGGGCAACCCAAT-3'